The following is an entry in ClinVar:

ClinVar aggregate classification (germline): Uncertain significance (1 of 4 stars; one submission).

Allele frequency attached by ClinVar (database versions not stated): gnomAD exomes below 0.00001.
gnomAD v4.1: 1 of 1,589,774 alleles (0.000063%); highest among the groups gnomAD compares: Non-Finnish European, 0.000086%; no homozygotes.

Submission:

GeneDx
Classification: Uncertain significance. Last evaluated: 2022-11-29. Review status: criteria provided, single submitter. Criteria: GeneDx Variant Classification Process June 2021. Collection method: clinical testing. Allele origin: germline. Affected: yes.
Comment: Not observed at significant frequency in large population cohorts (gnomAD); In silico analysis supports that this missense variant does not alter protein structure/function; Has not been previously published as pathogenic or benign to our knowledge

NM_001135651.3(EIF2AK2):c.1272T>A (p.Asp424Glu)

Gene: EIF2AK2 (eukaryotic translation initiation factor 2 alpha kinase 2; minus strand). Cytogenetic location: 2p22.2.
Variant type: single nucleotide variant.
Coding change: c.1272T>A on transcript NM_001135651.3 (MANE Select); coding-DNA position 1272, T replaced by A.
Protein change: p.Asp424Glu; replaces aspartic acid 424 with glutamic acid.
Molecular consequence: missense variant.
Genome position (GRCh38, 1-based): chr2:37,114,836, A>T on the plus strand (T>A on the coding strand, the complement: EIF2AK2 is on the minus strand). VCF-style: chr2-37114836-A-T. GRCh37 (hg19) VCF-style: chr2-37341979-A-T.
Other names: c.1149T>A, p.Asp383Glu (NM_001135652.3); c.1272T>A, p.Asp424Glu (NM_002759.4); short protein forms D383E, D424E.
Identifiers: ClinVar variation 2504333 (VCV002504333.1), dbSNP rs1194818208, ClinGen allele CA346300040.